The following is an entry in ClinVar:

ClinVar aggregate classification (germline): Uncertain significance (1 of 4 stars; one submission).

Conditions:
Primary immunodeficiency with post-measles-mumps-rubella vaccine viral infection. Also called: Immunodeficiency 44. Identifiers: Orphanet 431166, MedGen C4225260, MONDO:0014715, OMIM 616636.

Allele frequency attached by ClinVar (database versions not stated): TOPMed below 0.00001.

Submission:

Labcorp Genetics (formerly Invitae), Labcorp
Classification: Uncertain significance for Primary immunodeficiency with post-measles-mumps-rubella vaccine viral infection. Last evaluated: 2022-02-13. Review status: criteria provided, single submitter. Criteria: Invitae Variant Classification Sherloc (09022015). Collection method: clinical testing. Allele origin: germline.
Comment: This sequence change replaces leucine, which is neutral and non-polar, with phenylalanine, which is neutral and non-polar, at codon 134 of the STAT2 protein (p.Leu134Phe). This variant is not present in population databases (gnomAD no frequency). This variant has not been reported in the literature in individuals affected with STAT2-related conditions. ClinVar contains an entry for this variant (Variation ID: 475694). Advanced modeling of protein sequence and biophysical properties (such as structural, functional, and spatial information, amino acid conservation, physicochemical variation, residue mobility, and thermodynamic stability) performed at Invitae indicates that this missense variant is expected to disrupt STAT2 protein function. In summary, the available evidence is currently insufficient to determine the role of this variant in disease. Therefore, it has been classified as a Variant of Uncertain Significance.

NM_005419.4(STAT2):c.400C>T (p.Leu134Phe)

Gene: STAT2 (signal transducer and activator of transcription 2; minus strand). Cytogenetic location: 12q13.3.
Variant type: single nucleotide variant.
Coding change: c.400C>T on transcript NM_005419.4 (MANE Select); coding-DNA position 400, C replaced by T.
Protein change: p.Leu134Phe; replaces leucine 134 with phenylalanine.
Molecular consequence: missense variant.
Genome position (GRCh38, 1-based): chr12:56,355,514, G>A on the plus strand (C>T on the coding strand, the complement: STAT2 is on the minus strand). VCF-style: chr12-56355514-G-A. GRCh37 (hg19) VCF-style: chr12-56749298-G-A.
Other names: c.400C>T, p.Leu134Phe (LRG_1329t1); c.388C>T, p.Leu130Phe (NM_198332.2); short protein forms L134F, L130F.
Identifiers: ClinVar variation 475694 (VCV000475694.10), dbSNP rs1264238680, ClinGen allele CA385263403.
Genomic context (GRCh38, chr12:56,355,514, plus strand): 5'-CCCTTAAATCCAGGATCCGGGATTCAATCTCATGTTGCTGGCTCTCCACAGGTGTTTCGA[G>A]AACTGGCTCTCCTTGTTCCTGAAAAAAGAGGCTCTGAGCACGTTTTAACTCTGGCCTTTC-3'
Protein context (NP_005410.1, residues 124-144): RAQLEQGEPV[Leu134Phe]ETPVESQQHE